The following is an entry in ClinVar:

ClinVar aggregate classification (germline): Uncertain significance. Review status: criteria provided, multiple submitters, no conflicts (2 of 4 stars). 3 submissions from 3 submitters: Uncertain significance (3). Last evaluated 2024-10-16.

Conditions:
Immunodeficiency, common variable, 7. Identifiers: Orphanet 1572, Orphanet 696894, MedGen C3542922, MONDO:0013862, OMIM 614699.

Allele frequency attached by ClinVar (database versions not stated): ExAC 0.00002; gnomAD 0.00002; gnomAD exomes 0.00002; TOPMed 0.00002.
gnomAD v4.1: 33 of 1,613,798 alleles (0.002%); highest among the groups gnomAD compares: South Asian, 0.0066%; no homozygotes.

Submissions (3):

Labcorp Genetics (formerly Invitae), Labcorp
Classification: Uncertain significance for Immunodeficiency, common variable, 7. Last evaluated: 2024-10-16. Review status: criteria provided, single submitter. Criteria: Invitae Variant Classification Sherloc (09022015). Collection method: clinical testing. Allele origin: germline.
Comment: This sequence change replaces arginine, which is basic and polar, with tryptophan, which is neutral and slightly polar, at codon 233 of the CR2 protein (p.Arg233Trp). This variant is present in population databases (rs755984980, gnomAD 0.01%). This variant has not been reported in the literature in individuals affected with CR2-related conditions. ClinVar contains an entry for this variant (Variation ID: 1003117). An algorithm developed to predict the effect of missense changes on protein structure and function (PolyPhen-2) suggests that this variant is likely to be disruptive. In summary, the available evidence is currently insufficient to determine the role of this variant in disease. Therefore, it has been classified as a Variant of Uncertain Significance.

Genome-Nilou Lab
Classification: Uncertain significance for Immunodeficiency, common variable, 7. Last evaluated: 2023-04-11. Review status: criteria provided, single submitter. Criteria: ACMG Guidelines, 2015. Collection method: clinical testing. Allele origin: germline. Affected: no.

CeGaT Center for Human Genetics Tuebingen
Classification: Uncertain significance. Last evaluated: 2021-12-01. Review status: criteria provided, single submitter. Criteria: CeGaT Center For Human Genetics Tuebingen Variant Classification Criteria Version 2. Collection method: clinical testing. Allele origin: germline. Affected: yes. Observed: 1 variant allele.

NM_001006658.3(CR2):c.697C>T (p.Arg233Trp)

Gene: CR2 (complement C3d receptor 2; plus strand). Cytogenetic location: 1q32.2.
Variant type: single nucleotide variant.
Coding change: c.697C>T on transcript NM_001006658.3 (MANE Select); coding-DNA position 697, C replaced by T.
Protein change: p.Arg233Trp; replaces arginine 233 with tryptophan.
Molecular consequence: missense variant.
Genome position (GRCh38, 1-based): chr1:207,468,862, C>T. VCF-style: chr1-207468862-C-T. GRCh37 (hg19) VCF-style: chr1-207642207-C-T.
Other names: c.697C>T, p.Arg233Trp (NM_001877.5); short protein forms R233W.
Identifiers: ClinVar variation 1003117 (VCV001003117.41), dbSNP rs755984980, ClinGen allele CA1368509.